The following is an entry in ClinVar:

ClinVar aggregate classification (germline): Pathogenic/Likely pathogenic. Review status: criteria provided, multiple submitters, no conflicts (2 of 4 stars). 2 submissions from 2 submitters: Pathogenic (1); Likely pathogenic (1). Last evaluated 2025-10-13.

Conditions:
Corneal dystrophy-perceptive deafness syndrome (CDPD). Also called: CORNEAL DYSTROPHY AND SENSORINEURAL DEAFNESS; HARBOYAN SYNDROME. Identifiers: Orphanet 1490, MedGen C1857572, MONDO:0009015, OMIM 217400.

Allele frequency attached by ClinVar (database versions not stated): gnomAD exomes below 0.00001.

Submissions (2):

Natera, Inc.
Classification: Likely pathogenic for Corneal dystrophy-perceptive deafness syndrome. Last evaluated: 2025-10-13. Review status: criteria provided, single submitter. Criteria: Natera Variant Classification Schema (03/2026). Collection method: clinical testing. Allele origin: germline.
Comment: The c.673C>T variant in SLC4A11 is a nonsense variant predicted to introduce a stop codon at amino acid 225. This variant is expected to result in nonsense mediated decay, truncation, or a dysfunctional protein product. This variant is rare in the general population with a frequency below the threshold expected for the associated phenotype(s). Given the available evidence, this variant is classified as Likely Pathogenic.

Labcorp Genetics (formerly Invitae), Labcorp
Classification: Pathogenic. Last evaluated: 2020-06-04. Review status: criteria provided, single submitter. Criteria: Invitae Variant Classification Sherloc (09022015). Collection method: clinical testing. Allele origin: germline.
Comment: This sequence change creates a premature translational stop signal (p.Gln225*) in the SLC4A11 gene. It is expected to result in an absent or disrupted protein product. This variant is not present in population databases (ExAC no frequency). This variant has not been reported in the literature in individuals with SLC4A11-related conditions. ClinVar contains an entry for this variant (Variation ID: 843673). Loss-of-function variants in SLC4A11 are known to be pathogenic (PMID: 17220209, 17679935). For these reasons, this variant has been classified as Pathogenic.

Literature cited by the submitters: PubMed 17220209 (cited by Labcorp Genetics (formerly Invitae), Labcorp); PubMed 17679935 (cited by Labcorp Genetics (formerly Invitae), Labcorp).

NM_001174089.2(SLC4A11):c.625C>T (p.Gln209Ter)

Gene: SLC4A11 (solute carrier family 4 member 11; minus strand). Cytogenetic location: 20p13.
Variant type: single nucleotide variant.
Coding change: c.625C>T on transcript NM_001174089.2 (MANE Select); coding-DNA position 625, C replaced by T.
Protein change: p.Gln209Ter; replaces glutamine 209 with a stop codon.
Molecular consequence: nonsense. On other transcripts: non-coding transcript variant (1).
Genome position (GRCh38, 1-based): chr20:3,233,618, G>A on the plus strand (C>T on the coding strand, the complement: SLC4A11 is on the minus strand). VCF-style: chr20-3233618-G-A. GRCh37 (hg19) VCF-style: chr20-3214264-G-A.
Other names: c.754C>T, p.Gln252Ter (NM_001174090.2); c.625C>T, p.Gln209Ter (NM_001363745.2); c.673C>T, p.Gln225Ter (NM_032034.4); short protein forms Q209*, Q225*, Q252*.
Identifiers: ClinVar variation 843673 (VCV000843673.8), dbSNP rs1568539930, ClinGen allele CA408092852.